The following is an entry in ClinVar:

NM_015937.6(PIGT):c.1343G>A (p.Arg448Gln)

Gene: PIGT (phosphatidylinositol glycan anchor biosynthesis class T; plus strand). Cytogenetic location: 20q13.12.
Variant type: single nucleotide variant.
Coding change: c.1343G>A on transcript NM_015937.6 (MANE Select); coding-DNA position 1343, G replaced by A.
Protein change: p.Arg448Gln; replaces arginine 448 with glutamine.
Molecular consequence: missense variant. On other transcripts: non-coding transcript variant (5).
Genome position (GRCh38, 1-based): chr20:45,424,324, G>A. VCF-style: chr20-45424324-G-A. GRCh37 (hg19) VCF-style: chr20-44052964-G-A.
Other names: c.1175G>A, p.Arg392Gln (NM_001184728.3); c.1142G>A, p.Arg381Gln (NM_001184729.3); c.1037G>A, p.Arg346Gln (NM_001184730.3); short protein forms R346Q, R392Q, R448Q, R381Q.
Identifiers: ClinVar variation 1394934 (VCV001394934.8), dbSNP rs148710839, ClinGen allele CA9878223.

ClinVar aggregate classification (germline): Uncertain significance. Review status: criteria provided, multiple submitters, no conflicts (2 of 4 stars). 3 submissions from 3 submitters: Uncertain significance (3). Last evaluated 2025-08-09.

Conditions:
Multiple congenital anomalies-hypotonia-seizures syndrome 3 (MCAHS3). Also called: GLYCOSYLPHOSPHATIDYLINOSITOL BIOSYNTHESIS DEFECT 7. Identifiers: Orphanet 369837, MedGen C3809356, MONDO:0014165, OMIM 615398.

Allele frequency attached by ClinVar (database versions not stated): gnomAD exomes 0.00007 and 0.00011; ExAC 0.00011; gnomAD 0.00021 and 0.00022; TOPMed 0.00026; ESP Exome Variant Server 0.00031; 1000 Genomes Project 0.00040; 1000 Genomes Project 30x 0.00047.
gnomAD v4.1: 146 of 1,614,158 alleles (0.009%); highest among the groups gnomAD compares: African/African-American, 0.075%; no homozygotes.

Submissions (3):

GeneDx
Classification: Uncertain significance. Last evaluated: 2025-08-09. Review status: criteria provided, single submitter. Criteria: GeneDx Variant Classification Process June 2021. Collection method: clinical testing. Allele origin: germline. Affected: yes.
Comment: In silico analysis suggests that this missense variant does not alter protein structure/function; Has not been previously published as pathogenic or benign to our knowledge

Blueprint Genetics
Classification: Uncertain significance. Last evaluated: 2024-10-01. Review status: criteria provided, single submitter. Criteria: ACMG Guidelines, 2015. Collection method: clinical testing. Allele origin: germline.

Labcorp Genetics (formerly Invitae), Labcorp
Classification: Uncertain significance for Multiple congenital anomalies-hypotonia-seizures syndrome 3. Last evaluated: 2022-05-27. Review status: criteria provided, single submitter. Criteria: Invitae Variant Classification Sherloc (09022015). Collection method: clinical testing. Allele origin: germline.
Comment: This sequence change replaces arginine, which is basic and polar, with glutamine, which is neutral and polar, at codon 448 of the PIGT protein (p.Arg448Gln). This variant is present in population databases (rs148710839, gnomAD 0.06%). This variant has not been reported in the literature in individuals affected with PIGT-related conditions. ClinVar contains an entry for this variant (Variation ID: 1394934). Algorithms developed to predict the effect of missense changes on protein structure and function are either unavailable or do not agree on the potential impact of this missense change (SIFT: "Tolerated"; PolyPhen-2: "Probably Damaging"; Align-GVGD: "Class C0"). This variant disrupts the p.Arg448 amino acid residue in PIGT. Other variant(s) that disrupt this residue have been determined to be pathogenic (PMID: 24906948, 25943031). This suggests that this residue is clinically significant, and that variants that disrupt this residue are likely to be disease-causing. In summary, the available evidence is currently insufficient to determine the role of this variant in disease. Therefore, it has been classified as a Variant of Uncertain Significance.

Literature cited by the submitters: PubMed 24906948 (cited by Labcorp Genetics (formerly Invitae), Labcorp); PubMed 25943031 (cited by Labcorp Genetics (formerly Invitae), Labcorp).